The following is an entry in ClinVar:

NM_001077418.3(TMEM231):c.139+17C>T

Gene: TMEM231 (transmembrane protein 231; minus strand). Cytogenetic location: 16q23.1.
Variant type: single nucleotide variant.
Coding change: c.139+17C>T on transcript NM_001077418.3 (MANE Select); 17 bases into the intron after coding-DNA position 139, C replaced by T.
Molecular consequence: intron variant. On other transcripts: missense variant (1).
Genome position (GRCh38, 1-based): chr16:75,556,054, G>A on the plus strand (C>T on the coding strand, the complement: TMEM231 is on the minus strand). VCF-style: chr16-75556054-G-A. GRCh37 (hg19) VCF-style: chr16-75589952-G-A.
Other names: c.218C>T, p.Pro73Leu (NM_001077416.2); short protein forms P73L.
Identifiers: ClinVar variation 1421704 (VCV001421704.7), dbSNP rs759518508, ClinGen allele CA8176295.

ClinVar aggregate classification (germline): Uncertain significance (1 of 4 stars; one submission).

Conditions:
Meckel syndrome, type 11 (MKS11). Identifiers: Orphanet 564, MedGen C3809352, MONDO:0014164, OMIM 615397.
Joubert syndrome 20 (JBTS20). Identifiers: Orphanet 475, MedGen C3554235, MONDO:0013994, OMIM 614970.

Allele frequency attached by ClinVar (database versions not stated): TOPMed below 0.00001; gnomAD exomes 0.00001 and 0.00002; ExAC 0.00013.
gnomAD v4.1: 9 of 1,564,926 alleles (0.00058%); highest among the groups gnomAD compares: Non-Finnish European, 0.00069%; no homozygotes.

Submission:

Labcorp Genetics (formerly Invitae), Labcorp
Classification: Uncertain significance for Joubert syndrome 20; Meckel syndrome, type 11. Last evaluated: 2021-05-04. Review status: criteria provided, single submitter. Criteria: Invitae Variant Classification Sherloc (09022015). Collection method: clinical testing. Allele origin: germline.
Comment: Algorithms developed to predict the effect of missense changes on protein structure and function output the following: SIFT: "Deleterious"; PolyPhen-2: "Not Available"; Align-GVGD: "Class C0". The leucine amino acid residue is found in multiple mammalian species, suggesting that this missense change does not adversely affect protein function. These predictions have not been confirmed by published functional studies and their clinical significance is uncertain. In summary, the available evidence is currently insufficient to determine the role of this variant in disease. Therefore, it has been classified as a Variant of Uncertain Significance. This variant has not been reported in the literature in individuals with TMEM231-related conditions. This sequence change replaces proline with leucine at codon 73 of the TMEM231 protein (p.Pro73Leu). The proline residue is weakly conserved and there is a moderate physicochemical difference between proline and leucine. This variant is present in population databases (rs759518508, ExAC 0.03%).